The following is an entry in ClinVar:

ClinVar aggregate classification (germline): Uncertain significance (1 of 4 stars; one submission).

Conditions:
Aortic aneurysm, familial thoracic 8 (AAT8). Identifiers: MedGen C3809513, MONDO:0014187, OMIM 615436.

Submission:

Labcorp Genetics (formerly Invitae), Labcorp
Classification: Uncertain significance for Aortic aneurysm, familial thoracic 8. Last evaluated: 2026-01-07. Review status: criteria provided, single submitter. Criteria: Invitae Variant Classification Sherloc (09022015). Collection method: clinical testing. Allele origin: germline.
Comment: This sequence change replaces glutamic acid, which is acidic and polar, with lysine, which is basic and polar, at codon 82 of the PRKG1 protein (p.Glu82Lys). This variant is not present in population databases (gnomAD no frequency). This variant has not been reported in the literature in individuals affected with PRKG1-related conditions. An algorithm developed to predict the effect of missense changes on protein structure and function (PolyPhen-2) suggests that this variant is likely to be disruptive. In summary, the available evidence is currently insufficient to determine the role of this variant in disease. Therefore, it has been classified as a Variant of Uncertain Significance.

NM_006258.4(PRKG1):c.244G>A (p.Glu82Lys)

Gene: PRKG1 (protein kinase cGMP-dependent 1; plus strand). Cytogenetic location: 10q11.23.
Variant type: single nucleotide variant.
Coding change: c.244G>A on transcript NM_006258.4 (MANE Select); coding-DNA position 244, G replaced by A.
Protein change: p.Glu82Lys; replaces glutamic acid 82 with lysine.
Molecular consequence: missense variant. On other transcripts: intron variant (1).
Genome position (GRCh38, 1-based): chr10:51,074,834, G>A. VCF-style: chr10-51074834-G-A. GRCh37 (hg19) VCF-style: chr10-52834594-G-A.
Other names: c.244G>A, p.Glu82Lys (NM_001374782.1); c.267-78330G>A (NM_001098512.3); short protein forms E82K.
Identifiers: ClinVar variation 4811628 (VCV004811628.1).